The following is an entry in ClinVar:

NM_177972.3(TUB):c.376_378del (p.Glu126del)

Genes: TUB (TUB bipartite transcription factor; plus strand), RIC3 (RIC3 acetylcholine receptor chaperone; minus strand). Cytogenetic location: 11p15.4.
Variant type: Deletion.
Coding change: c.376_378del on transcript NM_177972.3 (MANE Select); coding-DNA positions 376 to 378, 3 bases deleted (GAG; older notation c.376_378delGAG).
Protein change: p.Glu126del; deletes glutamic acid 126.
Molecular consequence: inframe deletion.
Genome position (GRCh38, 1-based): chr11:8,094,168-8,094,170, GAG deleted; deleting any 3 consecutive bases within chr11:8,094,166-8,094,170 gives the same sequence; the c. name uses the placement nearest the transcript's 3' end. VCF-style (leftmost placement, unchanged base first): chr11-8094165-AAGG-A. GRCh37 (hg19) VCF-style: chr11-8115712-AAGG-A.
Other names: c.541_543del, p.Glu181del (NM_003320.5); short protein forms E181del, E126del.
Identifiers: ClinVar variation 1367377 (VCV001367377.6), dbSNP rs2133853410, ClinGen allele CA2573147219.

ClinVar aggregate classification (germline): Uncertain significance (1 of 4 stars; one submission).

Submission:

Labcorp Genetics (formerly Invitae), Labcorp
Classification: Uncertain significance. Last evaluated: 2022-11-01. Review status: criteria provided, single submitter. Criteria: Invitae Variant Classification Sherloc (09022015). Collection method: clinical testing. Allele origin: germline.
Comment: This variant, c.541_543del, results in the deletion of 1 amino acid(s) of the TUB protein (p.Glu181del), but otherwise preserves the integrity of the reading frame. In summary, the available evidence is currently insufficient to determine the role of this variant in disease. Therefore, it has been classified as a Variant of Uncertain Significance. Experimental studies and prediction algorithms are not available or were not evaluated, and the functional significance of this variant is currently unknown. ClinVar contains an entry for this variant (Variation ID: 1367377). This variant has not been reported in the literature in individuals affected with TUB-related conditions. This variant is not present in population databases (gnomAD no frequency).